The following is an entry in ClinVar:

NM_000268.4(NF2):c.842A>T (p.Asp281Val)

Gene: NF2 (NF2, moesin-ezrin-radixin like (MERLIN) tumor suppressor; plus strand). Cytogenetic location: 22q12.2.
Variant type: single nucleotide variant.
Coding change: c.842A>T on transcript NM_000268.4 (MANE Select); coding-DNA position 842, A replaced by T.
Protein change: p.Asp281Val; replaces aspartic acid 281 with valine.
Molecular consequence: missense variant. On other transcripts: non-coding transcript variant (1), intron variant (1).
Genome position (GRCh38, 1-based): chr22:29,665,021, A>T. VCF-style: chr22-29665021-A-T. GRCh37 (hg19) VCF-style: chr22-30061010-A-T.
Other names: c.842A>T (NM_000268.3); c.842A>T, p.Asp281Val (NM_016418.5, NM_181825.3, NM_181832.3); c.716A>T, p.Asp239Val (NM_181828.3); c.719A>T, p.Asp240Val (NM_181829.3); c.593A>T, p.Asp198Val (NM_181830.3, NM_181831.3); c.447+22736A>T (NM_181833.3); short protein forms D198V, D239V, D240V, D281V.
Identifiers: ClinVar variation 1420017 (VCV001420017.10), dbSNP rs2147033520, ClinGen allele CA411144606.

ClinVar aggregate classification (germline): Uncertain significance. Review status: criteria provided, multiple submitters, no conflicts (2 of 4 stars). 3 submissions from 3 submitters: Uncertain significance (3). Last evaluated 2025-09-20.

Conditions:
Hereditary cancer-predisposing syndrome. Also called: Hereditary Cancer Syndrome; Neoplastic Syndromes, Hereditary; Hereditary neoplastic syndrome; Tumor predisposition. Identifiers: Orphanet 140162, MedGen C0027672, MeSH D009386, MONDO:0015356.
Neurofibromatosis, type 2 (SWNV). Also called: BILATERAL ACOUSTIC NEUROFIBROMATOSIS; SCHWANNOMATOSIS, VESTIBULAR; NF2-Related Schwannomatosis. Identifiers: Orphanet 637, MedGen C0027832, MONDO:0007039, OMIM 101000. Disease mechanism: loss of function.

Submissions (3):

Ambry Genetics
Classification: Uncertain significance for Hereditary cancer-predisposing syndrome. Last evaluated: 2025-09-20. Review status: criteria provided, single submitter. Criteria: Ambry Variant Classification Scheme 2023. Collection method: clinical testing. Allele origin: germline.
Comment: The p.D281V variant (also known as c.842A>T), located in coding exon 9 of the NF2 gene, results from an A to T substitution at nucleotide position 842. The aspartic acid at codon 281 is replaced by valine, an amino acid with highly dissimilar properties. This amino acid position is conserved. In addition, the in silico prediction for this alteration is inconclusive. Since supporting evidence is limited at this time, the clinical significance of this alteration remains unclear.

All of Us Research Program, National Institutes of Health
Classification: Uncertain significance for Neurofibromatosis, type 2. Last evaluated: 2023-08-28. Review status: criteria provided, single submitter. Criteria: ACMG Guidelines, 2015. Collection method: clinical testing. Allele origin: germline. Inheritance: Autosomal dominant inheritance. Observed: 1 variant allele, 1 heterozygote.
Comment: This missense variant replaces aspartic acid with valine at codon 281 of the NF2 protein. Computational prediction suggests that this variant may not impact protein structure and function (internally defined REVEL score threshold <= 0.5, PMID: 27666373). To our knowledge, functional studies have not been reported for this variant. This variant has not been reported in individuals affected with NF2-related disorders in the literature. This variant has not been identified in the general population by the Genome Aggregation Database (gnomAD). The available evidence is insufficient to determine the role of this variant in disease conclusively. Therefore, this variant is classified as a Variant of Uncertain Significance.

This study involves interpretation of variants in research participants for the purpose of population health screening. Participant phenotype was not available at the time of variant classification. Additional details can be found in publication PMID: 35346344, PMCID: PMC8962531

Labcorp Genetics (formerly Invitae), Labcorp
Classification: Uncertain significance for Neurofibromatosis, type 2. Last evaluated: 2023-06-14. Review status: criteria provided, single submitter. Criteria: Invitae Variant Classification Sherloc (09022015). Collection method: clinical testing. Allele origin: germline.
Comment: ClinVar contains an entry for this variant (Variation ID: 1420017). This variant has not been reported in the literature in individuals affected with NF2-related conditions. This variant is not present in population databases (gnomAD no frequency). This sequence change replaces aspartic acid, which is acidic and polar, with valine, which is neutral and non-polar, at codon 281 of the NF2 protein (p.Asp281Val). Advanced modeling of protein sequence and biophysical properties (such as structural, functional, and spatial information, amino acid conservation, physicochemical variation, residue mobility, and thermodynamic stability) performed at Invitae indicates that this missense variant is not expected to disrupt NF2 protein function. In summary, the available evidence is currently insufficient to determine the role of this variant in disease. Therefore, it has been classified as a Variant of Uncertain Significance.